The following is an entry in ClinVar:

ClinVar aggregate classification (germline): Likely pathogenic (1 of 4 stars; one submission).

Conditions:
Primary ciliary dyskinesia 3. Identifiers: Orphanet 244, MedGen C1837618, MONDO:0012085, OMIM 608644.

Submission:

The Research Institute of Tuberculosis, Japan Anti-Tuberculosis Association
Classification: Likely pathogenic for Primary ciliary dyskinesia 3. Last evaluated: 2026-03-27. Review status: criteria provided, single submitter. Criteria: ACMG Guidelines, 2015. Collection method: research. Allele origin: germline. Inheritance: Autosomal recessive inheritance. Affected: yes.
Comment: Classification derived from Franklin (Genoox) summary and internal review. ACMG/AMP guidelines were applied for SNV/indel interpretation. Final classification: Likely pathogenic. RNA-seq analysis of the nasal mucosal specimen revealed aberrant splicing associated with this variant, supporting PS3. This variant is absent or present at extremely low frequency in population databases (gnomAD: exome 0; genome 0), supporting PM2. Evidence (ACMG/AMP codes): PS3, PM2, PM3.

Literature cited by the submitters: PubMed 37260176.

NM_001369.3(DNAH5):c.8821-3C>A

Gene: DNAH5 (dynein axonemal heavy chain 5; minus strand). Cytogenetic location: 5p15.2.
Variant type: single nucleotide variant.
Coding change: c.8821-3C>A on transcript NM_001369.3 (MANE Select); 3 bases into the intron before coding-DNA position 8821, C replaced by A.
Molecular consequence: intron variant.
Genome position (GRCh38, 1-based): chr5:13,780,962, G>T on the plus strand (C>A on the coding strand, the complement: DNAH5 is on the minus strand). VCF-style: chr5-13780962-G-T. GRCh37 (hg19) VCF-style: chr5-13781071-G-T.
Identifiers: ClinVar variation 4818929 (VCV004818929.1).